The following is an entry in ClinVar:

NM_017780.4(CHD7):c.3093G>C (p.Trp1031Cys)

Gene: CHD7 (chromodomain helicase DNA binding protein 7; plus strand). Cytogenetic location: 8q12.2.
Variant type: single nucleotide variant.
Coding change: c.3093G>C on transcript NM_017780.4 (MANE Select); coding-DNA position 3093, G replaced by C.
Protein change: p.Trp1031Cys; replaces tryptophan 1031 with cysteine.
Molecular consequence: missense variant. On other transcripts: intron variant (1).
Genome position (GRCh38, 1-based): chr8:60,822,638, G>C. VCF-style: chr8-60822638-G-C. GRCh37 (hg19) VCF-style: chr8-61735197-G-C.
Other names: c.1717-39591G>C (NM_001316690.1); short protein forms W1031C.
Identifiers: ClinVar variation 411188 (VCV000411188.8), dbSNP rs1060503187, ClinGen allele CA16612341.

ClinVar aggregate classification (germline): Pathogenic (1 of 4 stars; one submission).

Conditions:
CHARGE syndrome (CHARGE). Also called: CHARGE ASSOCIATION--COLOBOMA, HEART ANOMALY, CHOANAL ATRESIA, RETARDATION, GENITAL AND EAR ANOMALIES; Coloboma, heart anomaly, choanal atresia, retardation, genital and ear anomalies; CHARGE association; Hall-Hittner syndrome; Hittner Hirsch Kreh syndrome. Identifiers: Orphanet 138, MedGen C0265354, MONDO:0008965.

Submission:

Labcorp Genetics (formerly Invitae), Labcorp
Classification: Pathogenic for CHARGE syndrome. Last evaluated: 2016-12-19. Review status: criteria provided, single submitter. Criteria: Invitae Variant Classification Sherloc (09022015). Collection method: clinical testing. Allele origin: germline.
Comment: Algorithms developed to predict the effect of missense changes on protein structure and function (SIFT, PolyPhen-2, Align-GVGD) all suggest that this variant is likely to be disruptive, but these predictions have not been confirmed by published functional studies. This sequence change replaces tryptophan with cysteine at codon 1031 of the CHD7 protein (p.Trp1031Cys). The tryptophan residue is highly conserved and there is a large physicochemical difference between tryptophan and cysteine. This variant is not present in population databases (ExAC no frequency) and has not been reported in the literature in individuals with a CHD7-related disease. Two different missense substitutions at this codon (p.Trp1031Arg and p.Trp1031Gly) have been reported to be de novo in two individuals with CHARGE syndrome (PMID: 22461308, 22539353). This suggests that the tryptophan residue is important for CHD7 protein function. For these reasons, this variant has been classified as Pathogenic.

Literature cited by the submitters: PubMed 22461308; PubMed 22539353.